The following is an entry in ClinVar:

ClinVar aggregate classification (germline): Uncertain significance (1 of 4 stars; one submission).

Allele frequency attached by ClinVar (database versions not stated): gnomAD exomes below 0.00001; TOPMed below 0.00001; ExAC 0.00001.

Submission:

Labcorp Genetics (formerly Invitae), Labcorp
Classification: Uncertain significance. Last evaluated: 2021-10-24. Review status: criteria provided, single submitter. Criteria: Invitae Variant Classification Sherloc (09022015). Collection method: clinical testing. Allele origin: germline.
Comment: This sequence change replaces valine, which is neutral and non-polar, with isoleucine, which is neutral and non-polar, at codon 24 of the CLRN1 protein (p.Val24Ile). This variant is present in population databases (rs771641445, gnomAD 0.0009%). This variant has not been reported in the literature in individuals affected with CLRN1-related conditions. Algorithms developed to predict the effect of missense changes on protein structure and function (SIFT, PolyPhen-2, Align-GVGD) all suggest that this variant is likely to be tolerated. In summary, the available evidence is currently insufficient to determine the role of this variant in disease. Therefore, it has been classified as a Variant of Uncertain Significance.

NM_174878.3(CLRN1):c.70G>A (p.Val24Ile)

Gene: CLRN1 (clarin 1; minus strand). Cytogenetic location: 3q25.1.
Variant type: single nucleotide variant.
Coding change: c.70G>A on transcript NM_174878.3 (MANE Select); coding-DNA position 70, G replaced by A.
Protein change: p.Val24Ile; replaces valine 24 with isoleucine.
Molecular consequence: missense variant. On other transcripts: non-coding transcript variant (1).
Genome position (GRCh38, 1-based): chr3:150,972,639, C>T on the plus strand (G>A on the coding strand, the complement: CLRN1 is on the minus strand). VCF-style: chr3-150972639-C-T. GRCh37 (hg19) VCF-style: chr3-150690426-C-T.
Other names: c.70G>A, p.Val24Ile (NM_001195794.1, NM_001256819.2); short protein forms V24I.
Identifiers: ClinVar variation 1929560 (VCV001929560.2), dbSNP rs771641445, ClinGen allele CA2666219.
Genomic context (GRCh38, chr3:150,972,639, plus strand): 5'-CTCCCGTTTTGCAGAGGACAGTGGCTTTGATCCACAACGGTGTCCCCAAGGCTGTCACAA[C>T]TCCGAGGGCACATGCAAAACTGAACACTCCGGCCATGCAAAAAATGATTTTCTTCTGTTG-3'
Protein context (NP_777367.1, residues 14-34): GVFSFACALG[Val24Ile]VTALGTPLWI